The following is an entry in ClinVar:

NM_001271696.3(ABCB7):c.1064G>A (p.Arg355Lys)

Gene: ABCB7 (ATP binding cassette subfamily B member 7; minus strand). Cytogenetic location: Xq13.3.
Variant type: single nucleotide variant.
Coding change: c.1064G>A on transcript NM_001271696.3 (MANE Select); coding-DNA position 1064, G replaced by A.
Protein change: p.Arg355Lys; replaces arginine 355 with lysine.
Molecular consequence: missense variant.
Genome position (GRCh38, 1-based): chrX:75,071,652, C>T on the plus strand (G>A on the coding strand, the complement: ABCB7 is on the minus strand). VCF-style: chrX-75071652-C-T. GRCh37 (hg19) VCF-style: chrX-74291487-C-T.
Other names: c.944G>A, p.Arg315Lys (NM_001271697.3); c.986G>A, p.Arg329Lys (NM_001271698.3); c.947G>A, p.Arg316Lys (NM_001271699.3); c.1067G>A, p.Arg356Lys (NM_004299.6); short protein forms R316K, R315K, R355K, R356K, R329K.
Identifiers: ClinVar variation 4727825 (VCV004727825.1).

ClinVar aggregate classification (germline): Uncertain significance (1 of 4 stars; one submission).

Submission:

Labcorp Genetics (formerly Invitae), Labcorp
Classification: Uncertain significance. Last evaluated: 2025-09-24. Review status: criteria provided, single submitter. Criteria: Invitae Variant Classification Sherloc (09022015). Collection method: clinical testing. Allele origin: germline.
Comment: This sequence change replaces arginine, which is basic and polar, with lysine, which is basic and polar, at codon 356 of the ABCB7 protein (p.Arg356Lys). This variant is not present in population databases (gnomAD no frequency). This variant has not been reported in the literature in individuals affected with ABCB7-related conditions. An algorithm developed to predict the effect of missense changes on protein structure and function (PolyPhen-2) suggests that this variant is likely to be tolerated. In summary, the available evidence is currently insufficient to determine the role of this variant in disease. Therefore, it has been classified as a Variant of Uncertain Significance.